The following is an entry in ClinVar:

ClinVar aggregate classification (germline): Uncertain significance (1 of 4 stars; one submission).

Submission:

Labcorp Genetics (formerly Invitae), Labcorp
Classification: Uncertain significance. Last evaluated: 2023-02-24. Review status: criteria provided, single submitter. Criteria: Invitae Variant Classification Sherloc (09022015). Collection method: clinical testing. Allele origin: germline.
Comment: In summary, the available evidence is currently insufficient to determine the role of this variant in disease. Therefore, it has been classified as a Variant of Uncertain Significance. Algorithms developed to predict the effect of sequence changes on RNA splicing suggest that this variant may create or strengthen a splice site. ClinVar contains an entry for this variant (Variation ID: 2004280). This variant has not been reported in the literature in individuals affected with CACNA1D-related conditions. This variant is not present in population databases (gnomAD no frequency). This sequence change creates a premature translational stop signal (p.Glu312*) in the CACNA1D gene. It is expected to result in an absent or disrupted protein product. However, the current clinical and genetic evidence is not sufficient to establish whether loss-of-function variants in CACNA1D cause disease.

NM_001128840.3(CACNA1D):c.934G>T (p.Glu312Ter)

Gene: CACNA1D (calcium voltage-gated channel subunit alpha1 D; plus strand). Cytogenetic location: 3p21.1.
Variant type: single nucleotide variant.
Coding change: c.934G>T on transcript NM_001128840.3 (MANE Select); coding-DNA position 934, G replaced by T.
Protein change: p.Glu312Ter; replaces glutamic acid 312 with a stop codon.
Molecular consequence: nonsense.
Genome position (GRCh38, 1-based): chr3:53,666,353, G>T. VCF-style: chr3-53666353-G-T. GRCh37 (hg19) VCF-style: chr3-53700380-G-T.
Other names: c.934G>T, p.Glu312Ter (NM_000720.4, NM_001128839.3); short protein forms E312*.
Identifiers: ClinVar variation 2004280 (VCV002004280.4), dbSNP rs2473027626, ClinGen allele CA353383320.